The following is an entry in ClinVar:

NM_203447.4(DOCK8):c.3774T>G (p.Asn1258Lys)

Gene: DOCK8 (dedicator of cytokinesis 8; plus strand). Cytogenetic location: 9p24.3.
Variant type: single nucleotide variant.
Coding change: c.3774T>G on transcript NM_203447.4 (MANE Select); coding-DNA position 3774, T replaced by G.
Protein change: p.Asn1258Lys; replaces asparagine 1258 with lysine.
Molecular consequence: missense variant.
Genome position (GRCh38, 1-based): chr9:418,141, T>G. VCF-style: chr9-418141-T-G. GRCh37 (hg19) VCF-style: chr9-418141-T-G.
Other names: c.3474T>G, p.Asn1158Lys (NM_001190458.2); c.3570T>G, p.Asn1190Lys (NM_001193536.2); short protein forms N1158K, N1258K, N1190K.
Identifiers: ClinVar variation 3708880 (VCV003708880.1).

ClinVar aggregate classification (germline): Uncertain significance (1 of 4 stars; one submission).

gnomAD v4.1: 8 of 1,614,230 alleles (0.0005%); highest among the groups gnomAD compares: Middle Eastern, 0.016%; no homozygotes.

Submission:

Labcorp Genetics (formerly Invitae), Labcorp
Classification: Uncertain significance for Combined immunodeficiency due to DOCK8 deficiency. Last evaluated: 2024-05-29. Review status: criteria provided, single submitter. Criteria: Invitae Variant Classification Sherloc (09022015). Collection method: clinical testing. Allele origin: germline.
Comment: This sequence change replaces asparagine, which is neutral and polar, with lysine, which is basic and polar, at codon 1258 of the DOCK8 protein (p.Asn1258Lys). This variant is present in population databases (rs773576299, gnomAD 0.0009%). This variant has not been reported in the literature in individuals affected with DOCK8-related conditions. Advanced modeling of protein sequence and biophysical properties (such as structural, functional, and spatial information, amino acid conservation, physicochemical variation, residue mobility, and thermodynamic stability) performed at Invitae indicates that this missense variant is not expected to disrupt DOCK8 protein function with a negative predictive value of 80%. In summary, the available evidence is currently insufficient to determine the role of this variant in disease. Therefore, it has been classified as a Variant of Uncertain Significance.